The following is an entry in ClinVar:

ClinVar aggregate classification (germline): Conflicting classifications of pathogenicity. Review status: criteria provided, conflicting classifications (1 of 4 stars). 3 submissions from 3 submitters: Likely pathogenic (1); Uncertain significance (1); Likely benign (1). Last evaluated 2023-10-02.

Conditions:
Hypercholesterolemia, autosomal dominant, 3 (FHCL3). Also called: Familial hypercholesterolemia 3; PCSK9-Related Familial Hypercholesterolemia, Autosomal Dominant; Familial Hypercholesterolemia, Autosomal Dominant, 3. Identifiers: MedGen C1863551, MONDO:0011369, OMIM 603776.

Allele frequency attached by ClinVar (database versions not stated): gnomAD exomes below 0.00001.
gnomAD v4.1: 6 of 1,614,194 alleles (0.00037%); highest among the groups gnomAD compares: Non-Finnish European, 0.00051%; no homozygotes.

Submissions (3):

All of Us Research Program, National Institutes of Health
Classification: Likely benign for Hypercholesterolemia, autosomal dominant, 3. Last evaluated: 2023-10-02. Review status: criteria provided, single submitter. Criteria: ACMG Guidelines, 2015. Collection method: clinical testing. Allele origin: germline. Inheritance: Autosomal dominant inheritance. Observed: 1 variant allele, 1 heterozygote.
Comment: This study involves interpretation of variants in research participants for the purpose of population health screening. Participant phenotype was not available at the time of variant classification. Additional details can be found in publication PMID: 35346344, PMCID: PMC8962531

Labcorp Genetics (formerly Invitae), Labcorp
Classification: Uncertain significance for Hypercholesterolemia, autosomal dominant, 3. Last evaluated: 2021-08-07. Review status: criteria provided, single submitter. Criteria: Invitae Variant Classification Sherloc (09022015). Collection method: clinical testing. Allele origin: germline.
Comment: This sequence change replaces glycine with arginine at codon 106 of the PCSK9 protein (p.Gly106Arg). The glycine residue is highly conserved and there is a moderate physicochemical difference between glycine and arginine. This variant is not present in population databases (ExAC no frequency). This missense change has been observed in individual(s) with hypocholesterolemia (PMID: 16424354, 18266662, 18710658). Advanced modeling of protein sequence and biophysical properties (such as structural, functional, and spatial information, amino acid conservation, physicochemical variation, residue mobility, and thermodynamic stability) performed at Invitae indicates that this missense variant is expected to disrupt PCSK9 protein function. Experimental studies have shown that this missense change affects PCSK9 function (PMID: 16571601). In summary, the available evidence is currently insufficient to determine the role of this variant in disease. Therefore, it has been classified as a Variant of Uncertain Significance.

Revvity Omics, Revvity
Classification: Likely pathogenic for Hypercholesterolemia, autosomal dominant, 3. Last evaluated: 2021-07-06. Review status: criteria provided, single submitter. Criteria: ACMG Guidelines, 2015. Collection method: clinical testing. Allele origin: germline.

Literature cited by the submitters: PubMed 16424354 (cited by Labcorp Genetics (formerly Invitae), Labcorp); PubMed 18266662 (cited by Labcorp Genetics (formerly Invitae), Labcorp); PubMed 18710658 (cited by Labcorp Genetics (formerly Invitae), Labcorp); PubMed 16571601 (cited by Labcorp Genetics (formerly Invitae), Labcorp).

NM_174936.4(PCSK9):c.316G>A (p.Gly106Arg)

Gene: PCSK9 (proprotein convertase subtilisin/kexin type 9; plus strand). Cytogenetic location: 1p32.3.
Variant type: single nucleotide variant.
Coding change: c.316G>A on transcript NM_174936.4 (MANE Select); coding-DNA position 316, G replaced by A.
Protein change: p.Gly106Arg; replaces glycine 106 with arginine.
Molecular consequence: missense variant.
Genome position (GRCh38, 1-based): chr1:55,043,951, G>A. VCF-style: chr1-55043951-G-A. GRCh37 (hg19) VCF-style: chr1-55509624-G-A.
Other names: short protein forms G106R.
Identifiers: ClinVar variation 1324866 (VCV001324866.8), dbSNP rs2100267180, ClinGen allele CA340483719.
Genomic context (GRCh38, chr1:55,043,951, plus strand): 5'-ACCCACCTCTCGCAGTCAGAGCGCACTGCCCGCCGCCTGCAGGCCCAGGCTGCCCGCCGG[G>A]GATACCTCACCAAGATCCTGCATGTCTTCCATGGCCTTCTTCCTGGCTTCCTGGTGAAGA-3'
Protein context (NP_777596.2, residues 96-116): RRLQAQAARR[Gly106Arg]YLTKILHVFH